The following is an entry in ClinVar:

NM_207391.3(RGS9BP):c.371_382del (p.Val124_Arg127del)

Gene: RGS9BP (regulator of G protein signaling 9 binding protein; plus strand). Cytogenetic location: 19q13.11.
Variant type: Deletion.
Coding change: c.371_382del on transcript NM_207391.3 (MANE Select); coding-DNA positions 371 to 382, 12 bases deleted (TGGCGGCGCGCG).
Protein change: p.Val124_Arg127del.
Molecular consequence: inframe deletion.
Genome position (GRCh38, 1-based): chr19:32,676,634-32,676,645, TGGCGGCGCGCG deleted; deleting any 12 consecutive bases within chr19:32,676,631-32,676,645 gives the same sequence; the c. name uses the placement nearest the transcript's 3' end. VCF-style (leftmost placement, unchanged base first): chr19-32676630-GGCGTGGCGGCGC-G. GRCh37 (hg19) VCF-style: chr19-33167536-GGCGTGGCGGCGC-G.
Identifiers: ClinVar variation 1507161 (VCV001507161.8), dbSNP rs2145339175, ClinGen allele CA2573156226.

ClinVar aggregate classification (germline): Uncertain significance (1 of 4 stars; one submission).

Submission:

Labcorp Genetics (formerly Invitae), Labcorp
Classification: Uncertain significance. Last evaluated: 2021-02-03. Review status: criteria provided, single submitter. Criteria: Invitae Variant Classification Sherloc (09022015). Collection method: clinical testing. Allele origin: germline.
Comment: This variant, c.371_382del, results in the deletion of 4 amino acid(s) of the RGS9BP protein (p.Val124_Arg127del), but otherwise preserves the integrity of the reading frame. Experimental studies and prediction algorithms are not available or were not evaluated, and the functional significance of this variant is currently unknown. This variant has not been reported in the literature in individuals with RGS9BP-related conditions. The frequency data for this variant in the population databases is considered unreliable, as metrics indicate insufficient coverage at this position in the ExAC database. In summary, the available evidence is currently insufficient to determine the role of this variant in disease. Therefore, it has been classified as a Variant of Uncertain Significance.